The following is an entry in ClinVar:

ClinVar aggregate classification (germline): Conflicting classifications of pathogenicity. Review status: criteria provided, conflicting classifications (1 of 4 stars). 3 submissions from 3 submitters: Uncertain significance (2); Likely benign (1). Last evaluated 2024-07-16.

Conditions:
Cardiovascular phenotype. Identifiers: MedGen CN230736.

Allele frequency attached by ClinVar (database versions not stated): gnomAD exomes below 0.00001; gnomAD 0.00003.
gnomAD v4.1: 20 of 1,613,436 alleles (0.0012%); highest among the groups gnomAD compares: Non-Finnish European, 0.0017%; no homozygotes.

Submissions (3):

Revvity Omics, Revvity
Classification: Uncertain significance. Last evaluated: 2024-07-16. Review status: criteria provided, single submitter. Criteria: ACMG Guidelines, 2015. Collection method: clinical testing. Allele origin: germline.

Blueprint Genetics
Classification: Likely benign. Last evaluated: 2022-03-11. Review status: criteria provided, single submitter. Criteria: ACMG Guidelines, 2015. Collection method: clinical testing. Allele origin: germline.

Ambry Genetics
Classification: Uncertain significance for Cardiovascular phenotype. Last evaluated: 2016-10-31. Review status: criteria provided, single submitter. Criteria: Ambry Variant Classification Scheme 2023. Collection method: clinical testing. Allele origin: germline.
Comment: The p.C17017S variant (also known as c.51049T>A), located in coding exon 153 of the TTN gene, results from a T to A substitution at nucleotide position 51049. The cysteine at codon 17017 is replaced by serine, an amino acid with dissimilar properties. This alteration is located in the A-band region of the N2-B isoform of the titin protein. This variant was not reported in population based cohorts in the following databases: ExAC, Database of Single Nucleotide Polymorphisms (dbSNP), NHLBI Exome Sequencing Project (ESP), and 1000 Genomes Project. In the ESP, this variant was not observed in 5988 samples (11976 alleles) with coverage at this position. This amino acid position is not well conserved in available vertebrate species. In addition, this alteration is predicted to be tolerated by in silico analysis. Since supporting evidence is limited at this time, the clinical significance of this variant remains unclear.

NM_001267550.2(TTN):c.78244T>A (p.Cys26082Ser)

Genes: TTN (titin; minus strand), TTN-AS1 (TTN antisense RNA 1; plus strand). Cytogenetic location: 2q31.2.
Variant type: single nucleotide variant.
Coding change: c.78244T>A on transcript NM_001267550.2 (MANE Select); coding-DNA position 78244, T replaced by A.
Protein change: p.Cys26082Ser; replaces cysteine 26082 with serine.
Molecular consequence: missense variant.
Genome position (GRCh38, 1-based): chr2:178,567,888, A>T on the plus strand (T>A on the coding strand, the complement: TTN is on the minus strand). VCF-style: chr2-178567888-A-T. GRCh37 (hg19) VCF-style: chr2-179432615-A-T.
Other names: c.73321T>A, p.Cys24441Ser (NM_001256850.1); c.51049T>A, p.Cys17017Ser (NM_003319.4); c.70540T>A, p.Cys23514Ser (NM_133378.4); c.51424T>A, p.Cys17142Ser (NM_133432.3); c.51625T>A, p.Cys17209Ser (NM_133437.4); short protein forms C17017S, C26082S, C17142S, C17209S, C23514S, C24441S.
Identifiers: ClinVar variation 518950 (VCV000518950.7), dbSNP rs794727452, ClinGen allele CA349603441.